The following is an entry in ClinVar:

ClinVar aggregate classification (germline): Likely benign. Review status: criteria provided, multiple submitters, no conflicts (2 of 4 stars). 2 submissions from 2 submitters: Likely benign (2). Last evaluated 2025-05-02.

Allele frequency attached by ClinVar (database versions not stated): ExAC 0.00002; gnomAD exomes 0.00004; TOPMed 0.00004; 1000 Genomes Project 30x 0.00031.
gnomAD v4.1: 26 of 1,613,958 alleles (0.0016%); highest among the groups gnomAD compares: East Asian, 0.013%; no homozygotes.

Submissions (2):

Labcorp Genetics (formerly Invitae), Labcorp
Classification: Likely benign. Last evaluated: 2025-05-02. Review status: criteria provided, single submitter. Criteria: Invitae Variant Classification Sherloc (09022015). Collection method: clinical testing. Allele origin: germline.

Laboratory for Molecular Medicine, Mass General Brigham Personalized Medicine
Classification: Likely benign. Last evaluated: 2017-08-23. Review status: criteria provided, single submitter. Criteria: LMM Criteria. Collection method: clinical testing. Allele origin: germline. Observed: 1 variant allele.
Comment: p.Ala1417Ala in exon 11 of MYO15A: This variant is not expected to have clinical significance because it does not alter an amino acid residue and is not located within the splice consensus sequence. It has been identified in 0.02% (2/8568) of East Asian chromosomes by the Exome Aggregation Consortium (ExAC .; dbSNP rs764113282).

NM_016239.4(MYO15A):c.4251C>T (p.Ala1417=)

Gene: MYO15A (myosin XVA; plus strand). Cytogenetic location: 17p11.2.
Variant type: single nucleotide variant.
Coding change: c.4251C>T on transcript NM_016239.4 (MANE Select); coding-DNA position 4251, C replaced by T.
Protein change: p.Ala1417=; no amino-acid change (alanine 1417 retained).
Molecular consequence: synonymous variant.
Genome position (GRCh38, 1-based): chr17:18,132,497, C>T. VCF-style: chr17-18132497-C-T. GRCh37 (hg19) VCF-style: chr17-18035811-C-T.
Identifiers: ClinVar variation 517575 (VCV000517575.10), dbSNP rs764113282, ClinGen allele CA8423830.